The following is an entry in ClinVar:

NM_000051.4(ATM):c.916A>G (p.Thr306Ala)

Gene: ATM (ATM serine/threonine kinase; plus strand). Cytogenetic location: 11q22.3.
Variant type: single nucleotide variant.
Coding change: c.916A>G on transcript NM_000051.4 (MANE Select); coding-DNA position 916, A replaced by G.
Protein change: p.Thr306Ala; replaces threonine 306 with alanine.
Molecular consequence: missense variant.
Genome position (GRCh38, 1-based): chr11:108,246,978, A>G. VCF-style: chr11-108246978-A-G. GRCh37 (hg19) VCF-style: chr11-108117705-A-G.
Other names: c.916A>G, p.Thr306Ala (NM_001351834.2); short protein forms T306A.
Identifiers: ClinVar variation 453765 (VCV000453765.11), dbSNP rs1555068304, ClinGen allele CA382530530.

ClinVar aggregate classification (germline): Uncertain significance. Review status: criteria provided, multiple submitters, no conflicts (2 of 4 stars). 3 submissions from 3 submitters: Uncertain significance (3). Last evaluated 2024-02-28.

Conditions:
Hereditary cancer-predisposing syndrome. Also called: Tumor predisposition; Hereditary Cancer Syndrome; Neoplastic Syndromes, Hereditary; Hereditary neoplastic syndrome. Identifiers: Orphanet 140162, MedGen C0027672, MeSH D009386, MONDO:0015356.
Familial cancer of breast. Also called: Hereditary breast cancer; hereditary breast carcinoma; BREAST CANCER, FAMILIAL. Identifiers: Orphanet 227535, MedGen C0346153, MONDO:0016419, OMIM 114480. Disease mechanism: loss of function.
Ataxia-telangiectasia syndrome (AT). Also called: Cerebello-oculocutaneous telangiectasia; Immunodeficiency with ataxia telangiectasia; Ataxia-telangiectasia, complementation group D; AT, COMPLEMENTATION GROUP C; Ataxia-telangiectasia, complementation group E; LOUIS-BAR SYNDROME. Identifiers: Orphanet 100, MedGen C0004135, MONDO:0008840, OMIM 208900.

Allele frequency attached by ClinVar (database versions not stated): gnomAD exomes below 0.00001.
gnomAD v4.1: 2 of 1,611,320 alleles (0.00012%); highest among the groups gnomAD compares: Non-Finnish European, 0.00017%; no homozygotes.

Submissions (3):

Baylor Genetics
Classification: Uncertain significance for Familial cancer of breast. Last evaluated: 2024-02-28. Review status: criteria provided, single submitter. Criteria: ACMG Guidelines, 2015. Collection method: clinical testing. Allele origin: unknown.

Labcorp Genetics (formerly Invitae), Labcorp
Classification: Uncertain significance for Ataxia-telangiectasia syndrome. Last evaluated: 2024-01-22. Review status: criteria provided, single submitter. Criteria: Invitae Variant Classification Sherloc (09022015). Collection method: clinical testing. Allele origin: germline.
Comment: This sequence change replaces threonine, which is neutral and polar, with alanine, which is neutral and non-polar, at codon 306 of the ATM protein (p.Thr306Ala). This variant is not present in population databases (gnomAD no frequency). This variant has not been reported in the literature in individuals affected with ATM-related conditions. ClinVar contains an entry for this variant (Variation ID: 453765). Algorithms developed to predict the effect of missense changes on protein structure and function output the following: SIFT: "Not Available"; PolyPhen-2: "Benign"; Align-GVGD: "Not Available". The alanine amino acid residue is found in multiple mammalian species, which suggests that this missense change does not adversely affect protein function. In summary, the available evidence is currently insufficient to determine the role of this variant in disease. Therefore, it has been classified as a Variant of Uncertain Significance.

Ambry Genetics
Classification: Uncertain significance for Hereditary cancer-predisposing syndrome. Last evaluated: 2020-07-28. Review status: criteria provided, single submitter. Criteria: Ambry Variant Classification Scheme 2023. Collection method: clinical testing. Allele origin: germline.
Comment: The p.T306A variant (also known as c.916A>G), located in coding exon 7 of the ATM gene, results from an A to G substitution at nucleotide position 916. The threonine at codon 306 is replaced by alanine, an amino acid with similar properties. This amino acid position is poorly conserved in available vertebrate species. In addition, this alteration is predicted to be tolerated by in silico analysis. Since supporting evidence is limited at this time, the clinical significance of this alteration remains unclear.